The following is an entry in ClinVar:

ClinVar aggregate classification (germline): Pathogenic (1 of 4 stars; one submission).

Conditions:
Deficiency of acetyl-CoA acetyltransferase. Also called: 3-KETOTHIOLASE DEFICIENCY; 3-OXOTHIOLASE DEFICIENCY; MITOCHONDRIAL ACETOACETYL-CoA THIOLASE DEFICIENCY; Beta-ketothiolase deficiency. Identifiers: Orphanet 134, MedGen C1536500, MONDO:0008760, OMIM 203750. Disease mechanism: loss of function.

Submission:

Myriad Genetics, Inc.
Classification: Pathogenic for Deficiency of acetyl-CoA acetyltransferase. Last evaluated: 2026-08-10. Review status: criteria provided, single submitter. Criteria: Myriad Autosomal Dominant, Autosomal Recessive and X-Linked Classification Criteria (2023). Collection method: clinical testing. Allele origin: unknown.
Comment: NM_000019.3(ACAT1):c.814_817delCAGA(Q272Kfs*6) is expected to be pathogenic in the context of beta-ketothiolase deficiency. This variant is predicted to lead to an abnormal or absent protein product due to the creation of a premature termination codon in ACAT1, a gene where loss-of-function variants are known to be pathogenic. Please note: this variant was assessed in the context of healthy population screening.

NM_000019.4(ACAT1):c.814_817del (p.Gln272fs)

Gene: ACAT1 (acetyl-CoA acetyltransferase 1; plus strand). Cytogenetic location: 11q22.3.
Variant type: Deletion.
Coding change: c.814_817del on transcript NM_000019.4 (MANE Select); coding-DNA positions 814 to 817, 4 bases deleted (CAGA; older notation c.814_817delCAGA).
Protein change: p.Gln272fs; shifts the reading frame from glutamine 272.
Molecular consequence: frameshift variant. On other transcripts: non-coding transcript variant (2).
Genome position (GRCh38, 1-based): chr11:108,141,688-108,141,691, CAGA deleted. VCF-style (leftmost placement, unchanged base first): chr11-108141687-CCAGA-C. GRCh37 (hg19) VCF-style: chr11-108012414-CCAGA-C.
Other names: c.814_817del, p.Gln272fs (NM_001386677.1); c.499_502del, p.Gln167fs (NM_001386678.1); c.517_520del, p.Gln173fs (NM_001386679.1); c.544_547del, p.Gln182fs (NM_001386681.1, NM_001386682.1, NM_001386685.1 and 6 more transcripts); short protein forms Q167fs, Q173fs, Q182fs, Q272fs.
Identifiers: ClinVar variation 5016225 (VCV005016225.1).
Genomic context (GRCh38, chr11:108,141,687, plus strand): 5'-AGAAGATGAAGAATATAAACGTGTTGATTTTAGCAAAGTTCCAAAGCTGAAGACAGTTTT[CCAGA>C]AAGAAAATGGTTAGTGTTAAGAAATGAAGCATAAGAAAAAATTGAGCCAGTATACCATAT-3'